The following is an entry in ClinVar:

ClinVar aggregate classification (germline): Uncertain significance. Review status: criteria provided, multiple submitters, no conflicts (2 of 4 stars). 3 submissions from 3 submitters: Uncertain significance (2). 1 of the submissions does not count toward it. Last evaluated 2026-04-29.

Conditions:
Primary ciliary dyskinesia. Also called: Ciliary dyskinesia. Identifiers: Orphanet 244, MedGen C0008780, MONDO:0016575, HP:0012265.
Primary ciliary dyskinesia 3. Identifiers: Orphanet 244, MedGen C1837618, MONDO:0012085, OMIM 608644.

Allele frequency attached by ClinVar (database versions not stated): TOPMed below 0.00001; gnomAD 0.00001; gnomAD exomes 0.00002.
gnomAD v4.1: 25 of 1,613,864 alleles (0.0015%); highest among the groups gnomAD compares: South Asian, 0.0044%; no homozygotes.

Submissions (3):

Myriad Genetics, Inc.
Classification: Uncertain significance for Primary ciliary dyskinesia 3. Last evaluated: 2026-04-29. Review status: criteria provided, single submitter. Criteria: Myriad Autosomal Dominant, Autosomal Recessive and X-Linked Classification Criteria (2023). Collection method: clinical testing. Allele origin: unknown.
Comment: NM_001369.2(DNAH5):c.2417C>T(T806I) is a missense variant classified as a variant of uncertain significance in the context of primary ciliary dyskinesia, DNAH5-related. T806I has not been observed in cases with relevant disease. Relevant functional assessments of this variant are not available in the literature. T806I has been observed in referenced population frequency databases. In summary, there is insufficient evidence to classify NM_001369.2(DNAH5):c.2417C>T(T806I) as pathogenic or benign. Please note: this variant was assessed in the context of healthy population screening.

Labcorp Genetics (formerly Invitae), Labcorp
Classification: Uncertain significance for Primary ciliary dyskinesia. Last evaluated: 2021-09-01. Review status: criteria provided, single submitter. Criteria: Invitae Variant Classification Sherloc (09022015). Collection method: clinical testing. Allele origin: germline.
Comment: This sequence change replaces threonine with isoleucine at codon 806 of the DNAH5 protein (p.Thr806Ile). The threonine residue is weakly conserved and there is a moderate physicochemical difference between threonine and isoleucine. This variant is present in population databases (rs766649400, ExAC 0.006%). This variant has not been reported in the literature in individuals affected with DNAH5-related conditions. Algorithms developed to predict the effect of missense changes on protein structure and function output the following: SIFT: "Tolerated"; PolyPhen-2: "Benign"; Align-GVGD: "Class C0". The isoleucine amino acid residue is found in multiple mammalian species, which suggests that this missense change does not adversely affect protein function. In summary, the available evidence is currently insufficient to determine the role of this variant in disease. Therefore, it has been classified as a Variant of Uncertain Significance.

Natera, Inc.
Classification: Uncertain significance for Primary ciliary dyskinesia. Last evaluated: 2019-10-28. Review status: no assertion criteria provided. Collection method: clinical testing. Allele origin: germline. Not counted in ClinVar's aggregate classification.

NM_001369.3(DNAH5):c.2417C>T (p.Thr806Ile)

Genes: DNAH5 (dynein axonemal heavy chain 5; minus strand), DNAH5-AS1 (DNAH5 antisense RNA 1; plus strand). Cytogenetic location: 5p15.2.
Variant type: single nucleotide variant.
Coding change: c.2417C>T on transcript NM_001369.3 (MANE Select); coding-DNA position 2417, C replaced by T.
Protein change: p.Thr806Ile; replaces threonine 806 with isoleucine.
Molecular consequence: missense variant.
Genome position (GRCh38, 1-based): chr5:13,894,664, G>A on the plus strand (C>T on the coding strand, the complement: DNAH5 is on the minus strand). VCF-style: chr5-13894664-G-A. GRCh37 (hg19) VCF-style: chr5-13894773-G-A.
Other names: short protein forms T806I.
Identifiers: ClinVar variation 407262 (VCV000407262.7), dbSNP rs766649400, ClinGen allele CA3204599.
Genomic context (GRCh38, chr5:13,894,664, plus strand): 5'-CTCAGCCTTTAGAATTCAGAAATACTAATTATTCAGGCAGACTTACTGATCTTTGCAAAA[G>A]TGTTTTCTAAATAAGCCTCAATATTCAGTGATGTCCAGGTCAGTGCAGCCAAGCCAGGTT-3'
Protein context (NP_001360.1, residues 796-816): SLNIEAYLEN[Thr806Ile]FAKIKDLELL